The following is an entry in ClinVar:

NM_001994.3(F13B):c.1227C>T (p.Asp409=)

Gene: F13B (coagulation factor XIII B chain; minus strand). Cytogenetic location: 1q31.3.
Variant type: single nucleotide variant.
Coding change: c.1227C>T on transcript NM_001994.3 (MANE Select); coding-DNA position 1227, C replaced by T.
Protein change: p.Asp409=; no amino-acid change (aspartic acid 409 retained).
Molecular consequence: synonymous variant.
Genome position (GRCh38, 1-based): chr1:197,055,842, G>A on the plus strand (C>T on the coding strand, the complement: F13B is on the minus strand). VCF-style: chr1-197055842-G-A. GRCh37 (hg19) VCF-style: chr1-197024972-G-A.
Identifiers: ClinVar variation 3051630 (VCV003051630.2), dbSNP rs143489717, ClinGen allele CA1308379.

ClinVar aggregate classification (germline): Likely benign (0 of 4 stars; one submission).

Conditions:
F13B-related disorder. Also called: F13B-related condition.

Allele frequency attached by ClinVar (database versions not stated): gnomAD exomes 0.00007; ExAC 0.00013; gnomAD 0.00030; TOPMed 0.00034; 1000 Genomes Project 0.00060; 1000 Genomes Project 30x 0.00062; ESP Exome Variant Server 0.00062.
gnomAD v4.1: 150 of 1,613,220 alleles (0.0093%); highest among the groups gnomAD compares: African/African-American, 0.077%; no homozygotes.

Submission:

PreventionGenetics, part of Exact Sciences
Classification: Likely benign for F13B-related condition. Last evaluated: 2021-09-14. Review status: no assertion criteria provided. Collection method: clinical testing. Allele origin: germline.
Comment: This variant is classified as likely benign based on ACMG/AMP sequence variant interpretation guidelines (Richards et al. 2015 PMID: 25741868, with internal and published modifications).